The following is an entry in ClinVar:

NM_000170.3(GLDC):c.1678A>G (p.Met560Val)

Gene: GLDC (glycine decarboxylase; minus strand). Cytogenetic location: 9p24.1.
Variant type: single nucleotide variant.
Coding change: c.1678A>G on transcript NM_000170.3 (MANE Select); coding-DNA position 1678, A replaced by G.
Protein change: p.Met560Val; replaces methionine 560 with valine.
Molecular consequence: missense variant.
Genome position (GRCh38, 1-based): chr9:6,588,430, T>C on the plus strand (A>G on the coding strand, the complement: GLDC is on the minus strand). VCF-style: chr9-6588430-T-C. GRCh37 (hg19) VCF-style: chr9-6588430-T-C.
Other names: short protein forms M560V.
Identifiers: ClinVar variation 971056 (VCV000971056.12), dbSNP rs1818312039, ClinGen allele CA372892306.

ClinVar aggregate classification (germline): Pathogenic/Likely pathogenic. Review status: criteria provided, multiple submitters, no conflicts (2 of 4 stars). 2 submissions from 2 submitters: Pathogenic (1); Likely pathogenic (1). Last evaluated 2025-11-09.

Conditions:
Glycine encephalopathy. Also called: Non-ketotic hyperglycinemia; Nonketotic hyperglycinemia. Identifiers: Orphanet 407, MedGen C0751748, MONDO:0011612, HP:0008288.

Allele frequency attached by ClinVar (database versions not stated): gnomAD exomes below 0.00001; TOPMed below 0.00001.
gnomAD v4.1: 1 of 1,612,356 alleles (0.000062%); highest among the groups gnomAD compares: Non-Finnish European, 0.000085%; no homozygotes.

Submissions (2):

Labcorp Genetics (formerly Invitae), Labcorp
Classification: Pathogenic for Glycine encephalopathy. Last evaluated: 2025-11-09. Review status: criteria provided, single submitter. Criteria: Invitae Variant Classification Sherloc (09022015). Collection method: clinical testing. Allele origin: germline.
Comment: This sequence change replaces methionine, which is neutral and non-polar, with valine, which is neutral and non-polar, at codon 560 of the GLDC protein (p.Met560Val). This variant is not present in population databases (gnomAD no frequency). This missense change has been observed in individual(s) with nonketotic hyperglycinemia (PMID: 26179960; internal data). In at least one individual the data is consistent with being in trans (on the opposite chromosome) from a pathogenic variant. ClinVar contains an entry for this variant (Variation ID: 971056). Invitae Evidence Modeling of protein sequence and biophysical properties (such as structural, functional, and spatial information, amino acid conservation, physicochemical variation, residue mobility, and thermodynamic stability) indicates that this missense variant is expected to disrupt GLDC protein function with a positive predictive value of 95%. For these reasons, this variant has been classified as Pathogenic.

Women's Health and Genetics/Laboratory Corporation of America, LabCorp
Classification: Likely pathogenic for Glycine encephalopathy. Last evaluated: 2025-07-10. Review status: criteria provided, single submitter. Criteria: LabCorp Variant Classification Summary - May 2015. Collection method: clinical testing. Allele origin: germline.
Comment: Variant summary: GLDC c.1678A>G (p.Met560Val) results in a conservative amino acid change in the encoded protein sequence. Algorithms developed to predict the effect of missense changes on protein structure and function are either unavailable or do not agree on the potential impact of this missense change. The variant was absent in 251450 control chromosomes. c.1678A>G has been reported in the literature in a compound heterozygous individual affected with Glycine Encephalopathy (Non-Ketotic Hyperglycinemia) (Swanson_2015, internal data). These data indicate that the variant may be associated with disease. Other variant(s) affecting this codon has been determined to be Pathogenic (p.Met560Thr). The following publication has been ascertained in the context of this evaluation (PMID: 26179960). ClinVar contains an entry for this variant (Variation ID: 971056). Based on the evidence outlined above, the variant was classified as likely pathogenic.

Literature cited by the submitters: PubMed 26179960 (cited by Labcorp Genetics (formerly Invitae), Labcorp and Women's Health and Genetics/Laboratory Corporation of America, LabCorp).